The following is an entry in ClinVar:

ClinVar aggregate classification (germline): Benign. Review status: criteria provided, multiple submitters, no conflicts (2 of 4 stars). 3 submissions from 3 submitters: Benign (2). 1 of the submissions does not count toward it. Last evaluated 2019-12-31.

Conditions:
DNHD1-related disorder. Also called: DNHD1-related condition.

Allele frequency attached by ClinVar (database versions not stated): gnomAD exomes 0.00057; ExAC 0.00118; 1000 Genomes Project 0.00200; 1000 Genomes Project 30x 0.00234; gnomAD 0.00288 and 0.00316; TOPMed 0.00323; ESP Exome Variant Server 0.00329.
gnomAD v4.1: 750 of 1,551,642 alleles (0.048%); highest among the groups gnomAD compares: African/African-American, 0.92%; 4 homozygotes.

Submissions (3):

Labcorp Genetics (formerly Invitae), Labcorp
Classification: Benign. Last evaluated: 2019-12-31. Review status: criteria provided, single submitter. Criteria: Invitae Variant Classification Sherloc (09022015). Collection method: clinical testing. Allele origin: germline.

Breakthrough Genomics
Classification: Benign. Review status: criteria provided, single submitter. Criteria: ACMG Guidelines, 2015. Collection method: not provided. Allele origin: germline. Inheritance: Autosomal recessive inheritance. Affected: yes.

PreventionGenetics, part of Exact Sciences
Classification: Benign for DNHD1-related condition. Last evaluated: 2019-10-28. Review status: no assertion criteria provided. Collection method: clinical testing. Allele origin: germline. Not counted in ClinVar's aggregate classification.
Comment: This variant is classified as benign based on ACMG/AMP sequence variant interpretation guidelines (Richards et al. 2015 PMID: 25741868, with internal and published modifications).

NM_144666.3(DNHD1):c.9598G>C (p.Glu3200Gln)

Gene: DNHD1 (dynein heavy chain domain 1; plus strand). Cytogenetic location: 11p15.4.
Variant type: single nucleotide variant.
Coding change: c.9598G>C on transcript NM_144666.3 (MANE Select); coding-DNA position 9598, G replaced by C.
Protein change: p.Glu3200Gln; replaces glutamic acid 3200 with glutamine.
Molecular consequence: missense variant.
Genome position (GRCh38, 1-based): chr11:6,563,060, G>C. VCF-style: chr11-6563060-G-C. GRCh37 (hg19) VCF-style: chr11-6584290-G-C.
Other names: short protein forms E3200Q.
Identifiers: ClinVar variation 707873 (VCV000707873.7), dbSNP rs200787537, ClinGen allele CA5856406.